The following is an entry in ClinVar:

NM_005340.7(HINT1):c.283C>T (p.Arg95Ter)

Gene: HINT1 (histidine triad nucleotide binding protein 1; minus strand). Cytogenetic location: 5q23.3.
Variant type: single nucleotide variant.
Coding change: c.283C>T on transcript NM_005340.7 (MANE Select); coding-DNA position 283, C replaced by T.
Protein change: p.Arg95Ter; replaces arginine 95 with a stop codon.
Molecular consequence: nonsense. On other transcripts: non-coding transcript variant (5).
Genome position (GRCh38, 1-based): chr5:131,159,545, G>A on the plus strand (C>T on the coding strand, the complement: HINT1 is on the minus strand). VCF-style: chr5-131159545-G-A. GRCh37 (hg19) VCF-style: chr5-130495238-G-A.
Other names: short protein forms R95*.
Identifiers: ClinVar variation 1070519 (VCV001070519.9), dbSNP rs145306016, ClinGen allele CA3398562.

ClinVar aggregate classification (germline): Pathogenic (1 of 4 stars; one submission).

Conditions:
Autosomal recessive axonal neuropathy with neuromyotonia (NMAN). Also called: Gamstorp-Wohlfart syndrome; Neuromyotonia and axonal neuropathy, autosomal recessive; MYOKYMIA, MYOTONIA, AND MUSCLE WASTING. Identifiers: Orphanet 324442, MedGen C5700127, MONDO:0007646, OMIM 137200.

Allele frequency attached by ClinVar (database versions not stated): ExAC 0.00001; gnomAD exomes 0.00001 and 0.00002; TOPMed 0.00001; ESP Exome Variant Server 0.00008.
gnomAD v4.1: 9 of 1,613,548 alleles (0.00056%); highest among the groups gnomAD compares: South Asian, 0.0022%; no homozygotes.

Submission:

Labcorp Genetics (formerly Invitae), Labcorp
Classification: Pathogenic for Autosomal recessive axonal neuropathy with neuromyotonia. Last evaluated: 2024-05-20. Review status: criteria provided, single submitter. Criteria: Invitae Variant Classification Sherloc (09022015). Collection method: clinical testing. Allele origin: germline.
Comment: This sequence change creates a premature translational stop signal (p.Arg95*) in the HINT1 gene. While this is not anticipated to result in nonsense mediated decay, it is expected to disrupt the last 32 amino acid(s) of the HINT1 protein. This variant is present in population databases (rs145306016, gnomAD 0.003%). This variant has not been reported in the literature in individuals affected with HINT1-related conditions. ClinVar contains an entry for this variant (Variation ID: 1070519). This variant disrupts a region of the HINT1 protein in which other variant(s) (p.Gln106*, p.Trp123*) have been determined to be pathogenic (PMID: 22961002, 25342199, 29787766). This suggests that this is a clinically significant region of the protein, and that variants that disrupt it are likely to be disease-causing. For these reasons, this variant has been classified as Pathogenic.

Literature cited by the submitters: PubMed 22961002; PubMed 25342199; PubMed 29787766.